The following is an entry in ClinVar:

NM_052947.4(ALPK2):c.2963A>G (p.Lys988Arg)

Gene: ALPK2 (alpha kinase 2; minus strand). Cytogenetic location: 18q21.31.
Variant type: single nucleotide variant.
Coding change: c.2963A>G on transcript NM_052947.4 (MANE Select); coding-DNA position 2963, A replaced by G.
Protein change: p.Lys988Arg; replaces lysine 988 with arginine.
Molecular consequence: missense variant.
Genome position (GRCh38, 1-based): chr18:58,537,224, T>C on the plus strand (A>G on the coding strand, the complement: ALPK2 is on the minus strand). VCF-style: chr18-58537224-T-C. GRCh37 (hg19) VCF-style: chr18-56204456-T-C.
Other names: short protein forms K988R.
Identifiers: ClinVar variation 2497266 (VCV002497266.2), dbSNP rs1372662099, ClinGen allele CA402569397.

ClinVar aggregate classification (germline): Uncertain significance (1 of 4 stars; one submission).

Allele frequency attached by ClinVar (database versions not stated): TOPMed below 0.00001; gnomAD 0.00001.
gnomAD v4.1: 1 of 1,614,094 alleles (0.000062%); highest among the groups gnomAD compares: East Asian, 0.0022%; no homozygotes.

Submission:

Ambry Genetics
Classification: Uncertain significance. Last evaluated: 2022-12-03. Review status: criteria provided, single submitter. Criteria: Ambry Variant Classification Scheme 2023. Collection method: clinical testing. Allele origin: germline.
Comment: The p.K988R variant (also known as c.2963A>G), located in coding exon 4 of the ALPK2 gene, results from an A to G substitution at nucleotide position 2963. The lysine at codon 988 is replaced by arginine, an amino acid with highly similar properties. This amino acid position is conserved. In addition, this alteration is predicted to be tolerated by in silico analysis. Since supporting evidence is limited at this time, the clinical significance of this alteration remains unclear.